The following is an entry in ClinVar:

NM_006005.3(WFS1):c.2205C>A (p.Tyr735Ter)

Gene: WFS1 (wolframin ER transmembrane glycoprotein; plus strand). Cytogenetic location: 4p16.1.
Variant type: single nucleotide variant.
Coding change: c.2205C>A on transcript NM_006005.3 (MANE Select); coding-DNA position 2205, C replaced by A.
Protein change: p.Tyr735Ter; replaces tyrosine 735 with a stop codon.
Molecular consequence: nonsense.
Genome position (GRCh38, 1-based): chr4:6,302,000, C>A. VCF-style: chr4-6302000-C-A. GRCh37 (hg19) VCF-style: chr4-6303727-C-A.
Other names: c.2205C>A, p.Tyr735Ter (NM_001145853.1); short protein forms Y735*.
Identifiers: ClinVar variation 3720570 (VCV003720570.2).

ClinVar aggregate classification (germline): Pathogenic (1 of 4 stars; one submission).

Submission:

Labcorp Genetics (formerly Invitae), Labcorp
Classification: Pathogenic. Last evaluated: 2024-06-16. Review status: criteria provided, single submitter. Criteria: Invitae Variant Classification Sherloc (09022015). Collection method: clinical testing. Allele origin: germline.
Comment: This sequence change creates a premature translational stop signal (p.Tyr735*) in the WFS1 gene. While this is not anticipated to result in nonsense mediated decay, it is expected to disrupt the last 156 amino acid(s) of the WFS1 protein. The frequency data for this variant in the population databases is considered unreliable, as metrics indicate poor data quality at this position in the gnomAD database. This premature translational stop signal has been observed in individual(s) with Wolfram syndrome (PMID: 25173644). This variant disrupts a region of the WFS1 protein in which other variant(s) (p.Pro885Leu) have been determined to be pathogenic (PMID: 10521293, 28432734). This suggests that this is a clinically significant region of the protein, and that variants that disrupt it are likely to be disease-causing. For these reasons, this variant has been classified as Pathogenic.

Literature cited by the submitters: PubMed 25173644; PubMed 10521293; PubMed 28432734.